The following is an entry in ClinVar:

NM_206933.4(USH2A):c.3008A>G (p.Asn1003Ser)

Genes: USH2A (usherin; minus strand), USH2A-AS1 (USH2A antisense RNA 1; plus strand). Cytogenetic location: 1q41.
Variant type: single nucleotide variant.
Coding change: c.3008A>G on transcript NM_206933.4 (MANE Select); coding-DNA position 3008, A replaced by G.
Protein change: p.Asn1003Ser; replaces asparagine 1003 with serine.
Molecular consequence: missense variant.
Genome position (GRCh38, 1-based): chr1:216,217,536, T>C on the plus strand (A>G on the coding strand, the complement: USH2A is on the minus strand). VCF-style: chr1-216217536-T-C. GRCh37 (hg19) VCF-style: chr1-216390878-T-C.
Other names: c.3008A>G, p.Asn1003Ser (NM_007123.6); short protein forms N1003S.
Identifiers: ClinVar variation 867165 (VCV000867165.8), dbSNP rs2035366945, ClinGen allele CA344862997.

ClinVar aggregate classification (germline): Uncertain significance. Review status: criteria provided, multiple submitters, no conflicts (2 of 4 stars). 4 submissions from 3 submitters: Uncertain significance (4). Last evaluated 2023-11-04.

Conditions:
Retinitis pigmentosa 39 (RP39). Identifiers: Orphanet 791, MedGen C3151138, MONDO:0013436, OMIM 613809.
Usher syndrome type 2A. Also called: RETINAL DISEASE IN USHER SYNDROME TYPE IIA, MODIFIER OF; USHER SYNDROME, TYPE IIA. Identifiers: Orphanet 231178, Orphanet 886, MedGen C1848634, MONDO:0010169, OMIM 276901.

Submissions (4):

Genome-Nilou Lab
Classification: Uncertain significance for Retinitis pigmentosa 39. Last evaluated: 2023-11-04. Review status: criteria provided, single submitter. Criteria: ACMG Guidelines, 2015. Collection method: clinical testing. Allele origin: germline. Affected: no.

Genome-Nilou Lab
Classification: Uncertain significance for Usher syndrome type 2A. Last evaluated: 2023-11-04. Review status: criteria provided, single submitter. Criteria: ACMG Guidelines, 2015. Collection method: clinical testing. Allele origin: germline. Affected: no.

Labcorp Genetics (formerly Invitae), Labcorp
Classification: Uncertain significance. Last evaluated: 2022-02-24. Review status: criteria provided, single submitter. Criteria: Invitae Variant Classification Sherloc (09022015). Collection method: clinical testing. Allele origin: germline.
Comment: This sequence change replaces asparagine, which is neutral and polar, with serine, which is neutral and polar, at codon 1003 of the USH2A protein (p.Asn1003Ser). This variant is not present in population databases (gnomAD no frequency). This variant has not been reported in the literature in individuals affected with USH2A-related conditions. ClinVar contains an entry for this variant (Variation ID: 867165). Algorithms developed to predict the effect of missense changes on protein structure and function output the following: SIFT: "Tolerated"; PolyPhen-2: "Benign"; Align-GVGD: "Class C0". The serine amino acid residue is found in multiple mammalian species, which suggests that this missense change does not adversely affect protein function. In summary, the available evidence is currently insufficient to determine the role of this variant in disease. Therefore, it has been classified as a Variant of Uncertain Significance.

Blueprint Genetics
Classification: Uncertain significance. Last evaluated: 2020-02-27. Review status: criteria provided, single submitter. Criteria: ACMG Guidelines, 2015. Collection method: clinical testing. Allele origin: germline.